The following is an entry in ClinVar:

ClinVar aggregate classification (germline): Uncertain significance. Review status: criteria provided, multiple submitters, no conflicts (2 of 4 stars). 2 submissions from 2 submitters: Uncertain significance (2). Last evaluated 2024-09-06.

Conditions:
Familial thoracic aortic aneurysm and aortic dissection (TAAD). Also called: Thoracic aortic aneurysms and dissections. Identifiers: Orphanet 91387, MedGen C4707243, MONDO:0019625.
Frontometaphyseal dysplasia (FMD1). Identifiers: Orphanet 1826, MedGen C0265293, MONDO:0015942.
Melnick-Needles syndrome (MNS). Also called: MELNICK-NEEDLES OSTEODYSPLASTY; OSTEODYSPLASTY OF MELNICK AND NEEDLES; Melnick-Needles Syndrome (FLNA-MNS). Identifiers: Orphanet 2484, MedGen C0025237, MONDO:0010650, OMIM 309350.
Oto-palato-digital syndrome, type II (OPD2). Also called: FACIOPALATOOSSEOUS SYNDROME; Otopalatodigital Syndrome, Type II; OPD II SYNDROME; Otopalatodigital Syndrome Type 2 (FLNA-OPD2). Identifiers: Orphanet 669, Orphanet 90652, MedGen C1844696, MONDO:0010571, OMIM 304120.
Heterotopia, periventricular, X-linked dominant (PVNH1). Also called: PERIVENTRICULAR NODULAR HETEROTOPIA 1; X-linked periventricular heterotopia; PERIVENTRICULAR NODULAR HETEROTOPIA 4; HETEROTOPIA, PERIVENTRICULAR, 1. Identifiers: Orphanet 2149, Orphanet 82004, MedGen C1848213, MONDO:0010233, OMIM 300049.

Allele frequency attached by ClinVar (database versions not stated): gnomAD 0.00001; gnomAD exomes 0.00001; TOPMed 0.00001.
gnomAD v4.1: 11 of 1,209,754 alleles (0.00091%); highest among the groups gnomAD compares: Non-Finnish European, 0.0012%; no homozygotes.

Submissions (2):

Centre of Medical Genetics, University of Antwerp
Classification: Uncertain significance for Familial thoracic aortic aneurysm and aortic dissection. Last evaluated: 2024-09-06. Review status: criteria provided, single submitter. Criteria: ACMG Guidelines, 2015. Collection method: clinical testing. Allele origin: germline. Affected: yes.

Labcorp Genetics (formerly Invitae), Labcorp
Classification: Uncertain significance for Oto-palato-digital syndrome, type II; Heterotopia, periventricular, X-linked dominant; Frontometaphyseal dysplasia; Melnick-Needles syndrome. Last evaluated: 2020-03-15. Review status: criteria provided, single submitter. Criteria: Invitae Variant Classification Sherloc (09022015). Collection method: clinical testing. Allele origin: germline.
Comment: In summary, the available evidence is currently insufficient to determine the role of this variant in disease. Therefore, it has been classified as a Variant of Uncertain Significance. Algorithms developed to predict the effect of missense changes on protein structure and function (SIFT, PolyPhen-2, Align-GVGD) all suggest that this variant is likely to be disruptive, but these predictions have not been confirmed by published functional studies and their clinical significance is uncertain. This variant has been reported in individuals in the Leiden Open-source Variation Database (PMID: 21520333). This variant is not present in population databases (ExAC no frequency). This sequence change replaces leucine with arginine at codon 1467 of the FLNA protein (p.Leu1467Arg). The leucine residue is moderately conserved and there is a moderate physicochemical difference between leucine and arginine.

Literature cited by the submitters: PubMed 21520333 (cited by Labcorp Genetics (formerly Invitae), Labcorp).

NM_001110556.2(FLNA):c.4400T>G (p.Leu1467Arg)

Gene: FLNA (filamin A; minus strand). Cytogenetic location: Xq28.
Variant type: single nucleotide variant.
Coding change: c.4400T>G on transcript NM_001110556.2 (MANE Select); coding-DNA position 4400, T replaced by G.
Protein change: p.Leu1467Arg; replaces leucine 1467 with arginine.
Molecular consequence: missense variant.
Genome position (GRCh38, 1-based): chrX:154,359,058, A>C on the plus strand (T>G on the coding strand, the complement: FLNA is on the minus strand). VCF-style: chrX-154359058-A-C. GRCh37 (hg19) VCF-style: chrX-153587426-A-C.
Other names: c.4400T>G, p.Leu1467Arg (NM_001456.4); short protein forms L1467R.
Identifiers: ClinVar variation 1022877 (VCV001022877.10), dbSNP rs2067683829, ClinGen allele CA415216682.